The following is an entry in ClinVar:

NM_152383.5(DIS3L2):c.1073G>C (p.Gly358Ala)

Gene: DIS3L2 (DIS3 like 3'-5' exoribonuclease 2; plus strand). Cytogenetic location: 2q37.1.
Variant type: single nucleotide variant.
Coding change: c.1073G>C on transcript NM_152383.5 (MANE Select); coding-DNA position 1073, G replaced by C.
Protein change: p.Gly358Ala; replaces glycine 358 with alanine.
Molecular consequence: missense variant. On other transcripts: non-coding transcript variant (2).
Genome position (GRCh38, 1-based): chr2:232,163,581, G>C. VCF-style: chr2-232163581-G-C. GRCh37 (hg19) VCF-style: chr2-233028291-G-C.
Other names: c.1073G>C, p.Gly358Ala (NM_001257281.2); short protein forms G358A.
Identifiers: ClinVar variation 1426134 (VCV001426134.8), dbSNP rs769013964, ClinGen allele CA351154423.

ClinVar aggregate classification (germline): Uncertain significance (1 of 4 stars; one submission).

Conditions:
Perlman syndrome (PRLMNS). Identifiers: Orphanet 2849, MedGen C0796113, MONDO:0009965, OMIM 267000.

Submission:

Labcorp Genetics (formerly Invitae), Labcorp
Classification: Uncertain significance for Perlman syndrome. Last evaluated: 2021-01-15. Review status: criteria provided, single submitter. Criteria: Invitae Variant Classification Sherloc (09022015). Collection method: clinical testing. Allele origin: germline.
Comment: This sequence change replaces glycine with alanine at codon 358 of the DIS3L2 protein (p.Gly358Ala). The glycine residue is weakly conserved and there is a small physicochemical difference between glycine and alanine. In summary, the available evidence is currently insufficient to determine the role of this variant in disease. Therefore, it has been classified as a Variant of Uncertain Significance. Algorithms developed to predict the effect of missense changes on protein structure and function output the following: SIFT: "Tolerated"; PolyPhen-2: "Benign"; Align-GVGD: "Class C0". The alanine amino acid residue is found in multiple mammalian species, suggesting that this missense change does not adversely affect protein function. These predictions have not been confirmed by published functional studies and their clinical significance is uncertain. This variant has not been reported in the literature in individuals with DIS3L2-related conditions. This variant is not present in population databases (ExAC no frequency).